The following is an entry in ClinVar:

NM_000070.3(CAPN3):c.1558_1559del (p.Leu520fs)

Gene: CAPN3 (calpain 3; plus strand). Cytogenetic location: 15q15.1.
Variant type: Deletion.
Coding change: c.1558_1559del on transcript NM_000070.3 (MANE Select); coding-DNA positions 1558 to 1559, 2 bases deleted (CT; older notation c.1558_1559delCT).
Protein change: p.Leu520fs; shifts the reading frame from leucine 520.
Molecular consequence: frameshift variant.
Genome position (GRCh38, 1-based): chr15:42,402,815-42,402,816, CT deleted. VCF-style (leftmost placement, unchanged base first): chr15-42402814-CCT-C. GRCh37 (hg19) VCF-style: chr15-42695012-CCT-C.
Other names: c.1558_1559del, p.Leu520fs (NM_024344.2); c.1414_1415del, p.Leu472fs (NM_173087.2); c.22_23del, p.Leu8fs (NM_173088.2); c.*674_*675delCT (NM_212464.2); c.*1251_*1252delCT (NM_212467.2); short protein forms L472fs, L520fs, L8fs.
Identifiers: ClinVar variation 1709739 (VCV001709739.2), dbSNP rs2548279211, ClinGen allele CA2580089423.

ClinVar aggregate classification (germline): Likely pathogenic (1 of 4 stars; one submission).

Conditions:
Autosomal recessive limb-girdle muscular dystrophy type 2A (LGMDR1). Also called: Limb-girdle muscular dystrophy, type 2A; Calpainopathy; LEYDEN-MOEBIUS MUSCULAR DYSTROPHY; MUSCULAR DYSTROPHY, PELVOFEMORAL; Muscular dystrophy, limb-girdle, type 2A, Amish. Identifiers: Orphanet 267, MedGen C1869123, MONDO:0009675, OMIM 253600. Disease mechanism: loss of function.

Allele frequency attached by ClinVar (database versions not stated): gnomAD exomes below 0.00001.

Submission:

MGZ Medical Genetics Center
Classification: Likely pathogenic for Autosomal recessive limb-girdle muscular dystrophy type 2A. Last evaluated: 2021-08-03. Review status: criteria provided, single submitter. Criteria: ACMG Guidelines, 2015. Collection method: clinical testing. Allele origin: germline. Affected: yes. Observed: 1 variant allele.
Comment: ACMG criteria applied: PVS1, PM2_SUP